The following is an entry in ClinVar:

ClinVar aggregate classification (germline): Uncertain significance (1 of 4 stars; one submission).

Allele frequency attached by ClinVar (database versions not stated): ExAC 0.00001.
gnomAD v4.1: 2 of 1,614,174 alleles (0.00012%); highest among the groups gnomAD compares: Non-Finnish European, 0.00017%; no homozygotes.

Submission:

Labcorp Genetics (formerly Invitae), Labcorp
Classification: Uncertain significance. Last evaluated: 2023-01-12. Review status: criteria provided, single submitter. Criteria: Invitae Variant Classification Sherloc (09022015). Collection method: clinical testing. Allele origin: germline.
Comment: This variant has not been reported in the literature in individuals affected with RFWD3-related conditions. In summary, the available evidence is currently insufficient to determine the role of this variant in disease. Therefore, it has been classified as a Variant of Uncertain Significance. Algorithms developed to predict the effect of missense changes on protein structure and function are either unavailable or do not agree on the potential impact of this missense change (SIFT: "Tolerated"; PolyPhen-2: "Possibly Damaging"; Align-GVGD: "Class C0"). This variant is present in population databases (rs764326136, gnomAD 0.0009%). This sequence change replaces glutamine, which is neutral and polar, with leucine, which is neutral and non-polar, at codon 188 of the RFWD3 protein (p.Gln188Leu).

NM_018124.4(RFWD3):c.563A>T (p.Gln188Leu)

Gene: RFWD3 (ring finger and WD repeat domain 3; minus strand). Cytogenetic location: 16q23.1.
Variant type: single nucleotide variant.
Coding change: c.563A>T on transcript NM_018124.4 (MANE Select); coding-DNA position 563, A replaced by T.
Protein change: p.Gln188Leu; replaces glutamine 188 with leucine.
Molecular consequence: missense variant. On other transcripts: intron variant (1), 5 prime UTR variant (4).
Genome position (GRCh38, 1-based): chr16:74,652,078, T>A on the plus strand (A>T on the coding strand, the complement: RFWD3 is on the minus strand). VCF-style: chr16-74652078-T-A. GRCh37 (hg19) VCF-style: chr16-74685976-T-A.
Other names: c.-113-2876A>T (NM_001370539.1); c.563A>T, p.Gln188Leu (NM_001370534.1, NM_001370535.1, NM_001370536.1); c.-446A>T (NM_001370537.1); c.-272A>T (NM_001370540.1); c.-323A>T (NM_001370542.1); c.-201A>T (NM_001370543.1); short protein forms Q188L.
Identifiers: ClinVar variation 2904173 (VCV002904173.3), dbSNP rs764326136, ClinGen allele CA8169519.
Genomic context (GRCh38, chr16:74,652,078, plus strand): 5'-AACTCTTCAGATACAGGATTCCTAGTCTCTGAATCATAAGTGGTAGCTGGCAAGTCAGGC[T>A]GGGTCCTGCTCACCTGAAAGTAAGCATCCAATGGTGCTCTCAACCTATGTACACAGAAAG-3'
Protein context (NP_060594.3, residues 178-198): LDAYFQVSRT[Gln188Leu]PDLPATTYDS